The following is an entry in ClinVar:

NM_013245.3(VPS4A):c.111G>A (p.Glu37=)

Genes: VPS4A (vacuolar protein sorting 4 homolog A; plus strand), LOC126862382 (CDK7 strongly-dependent group 2 enhancer GRCh37_chr16:69349279-69350478; plus strand). Cytogenetic location: 16q22.1.
Variant type: single nucleotide variant.
Coding change: c.111G>A on transcript NM_013245.3 (MANE Select); coding-DNA position 111, G replaced by A.
Protein change: p.Glu37=; no amino-acid change (glutamic acid 37 retained).
Molecular consequence: synonymous variant.
Genome position (GRCh38, 1-based): chr16:69,316,097, G>A. VCF-style: chr16-69316097-G-A. GRCh37 (hg19) VCF-style: chr16-69350000-G-A.
Identifiers: ClinVar variation 4534749 (VCV004534749.6).

ClinVar aggregate classification (germline): Likely benign (1 of 4 stars; one submission).

Submission:

CeGaT Center for Human Genetics Tuebingen
Classification: Likely benign. Last evaluated: 2025-11-01. Review status: criteria provided, single submitter. Criteria: CeGaT Center For Human Genetics Tuebingen Variant Classification Criteria Version 2. Collection method: clinical testing. Allele origin: germline. Affected: yes. Observed: 1 variant allele.
Comment: VPS4A: PM2:Supporting, BP4, BP7